The following is an entry in ClinVar:

ClinVar aggregate classification (germline): Uncertain significance (1 of 4 stars; one submission).

Conditions:
Noonan syndrome 9 (NS9). Identifiers: Orphanet 648, MedGen C4225282, MONDO:0014691, OMIM 616559.

Submission:

Labcorp Genetics (formerly Invitae), Labcorp
Classification: Uncertain significance for Noonan syndrome 9. Last evaluated: 2025-09-09. Review status: criteria provided, single submitter. Criteria: Invitae Variant Classification Sherloc (09022015). Collection method: clinical testing. Allele origin: germline.
Comment: This sequence change replaces proline, which is neutral and non-polar, with serine, which is neutral and polar, at codon 1223 of the SOS2 protein (p.Pro1223Ser). This variant is not present in population databases (gnomAD no frequency). This variant has not been reported in the literature in individuals affected with SOS2-related conditions. Invitae Evidence Modeling of protein sequence and biophysical properties (such as structural, functional, and spatial information, amino acid conservation, physicochemical variation, residue mobility, and thermodynamic stability) indicates that this missense variant is not expected to disrupt SOS2 protein function with a negative predictive value of 95%. In summary, the available evidence is currently insufficient to determine the role of this variant in disease. Therefore, it has been classified as a Variant of Uncertain Significance.

NM_006939.4(SOS2):c.3667C>T (p.Pro1223Ser)

Gene: SOS2 (SOS Ras/Rho guanine nucleotide exchange factor 2; minus strand). Cytogenetic location: 14q21.3.
Variant type: single nucleotide variant.
Coding change: c.3667C>T on transcript NM_006939.4 (MANE Select); coding-DNA position 3667, C replaced by T.
Protein change: p.Pro1223Ser; replaces proline 1223 with serine.
Molecular consequence: missense variant.
Genome position (GRCh38, 1-based): chr14:50,118,676, G>A on the plus strand (C>T on the coding strand, the complement: SOS2 is on the minus strand). VCF-style: chr14-50118676-G-A. GRCh37 (hg19) VCF-style: chr14-50585394-G-A.
Other names: c.3568C>T, p.Pro1190Ser (NM_001411020.1); short protein forms P1223S, P1190S.
Identifiers: ClinVar variation 4776397 (VCV004776397.1).